The following is an entry in ClinVar:

NM_004836.7(EIF2AK3):c.1052T>C (p.Ile351Thr)

Gene: EIF2AK3 (eukaryotic translation initiation factor 2 alpha kinase 3; minus strand). Cytogenetic location: 2p11.2.
Variant type: single nucleotide variant.
Coding change: c.1052T>C on transcript NM_004836.7 (MANE Select); coding-DNA position 1052, T replaced by C.
Protein change: p.Ile351Thr; replaces isoleucine 351 with threonine.
Molecular consequence: missense variant.
Genome position (GRCh38, 1-based): chr2:88,590,556, A>G on the plus strand (T>C on the coding strand, the complement: EIF2AK3 is on the minus strand). VCF-style: chr2-88590556-A-G. GRCh37 (hg19) VCF-style: chr2-88890074-A-G.
Other names: c.599T>C, p.Ile200Thr (NM_001313915.2); short protein forms I200T, I351T.
Identifiers: ClinVar variation 4700210 (VCV004700210.1).

ClinVar aggregate classification (germline): Uncertain significance (1 of 4 stars; one submission).

Submission:

Labcorp Genetics (formerly Invitae), Labcorp
Classification: Uncertain significance. Last evaluated: 2025-04-14. Review status: criteria provided, single submitter. Criteria: Invitae Variant Classification Sherloc (09022015). Collection method: clinical testing. Allele origin: germline.
Comment: This sequence change replaces isoleucine, which is neutral and non-polar, with threonine, which is neutral and polar, at codon 351 of the EIF2AK3 protein (p.Ile351Thr). This variant is not present in population databases (gnomAD no frequency). This variant has not been reported in the literature in individuals affected with EIF2AK3-related conditions. An algorithm developed to predict the effect of missense changes on protein structure and function (PolyPhen-2) suggests that this variant is likely to be tolerated. In summary, the available evidence is currently insufficient to determine the role of this variant in disease. Therefore, it has been classified as a Variant of Uncertain Significance.